The following is an entry in ClinVar:

NM_005546.4(ITK):c.1808C>G (p.Pro603Arg)

Gene: ITK (IL2 inducible T cell kinase; plus strand). Cytogenetic location: 5q33.3.
Variant type: single nucleotide variant.
Coding change: c.1808C>G on transcript NM_005546.4 (MANE Select); coding-DNA position 1808, C replaced by G.
Protein change: p.Pro603Arg; replaces proline 603 with arginine.
Molecular consequence: missense variant.
Genome position (GRCh38, 1-based): chr5:157,252,623, C>G. VCF-style: chr5-157252623-C-G. GRCh37 (hg19) VCF-style: chr5-156679633-C-G.
Other names: short protein forms P603R.
Identifiers: ClinVar variation 4742771 (VCV004742771.1).
Genomic context (GRCh38, chr5:157,252,623, plus strand): 5'-GCATAAGTACAAGGAACTTACAGAGTTCTTTTTTCCCTCTCCAGAGACCAGAAGATCGGC[C>G]AGCCTTCTCCAGACTGCTGCGTCAACTGGCTGAAATTGCAGAATCAGGACTTTAGTAGAG-3'
Protein context (NP_005537.3, residues 593-613): HCWKERPEDR[Pro603Arg]AFSRLLRQLA

ClinVar aggregate classification (germline): Uncertain significance (1 of 4 stars; one submission).

Conditions:
Lymphoproliferative syndrome 1 (LPFS1). Identifiers: Orphanet 238505, Orphanet 538963, MedGen C3552634, MONDO:0013081, OMIM 613011.

Submission:

Labcorp Genetics (formerly Invitae), Labcorp
Classification: Uncertain significance for Lymphoproliferative syndrome 1. Last evaluated: 2025-01-19. Review status: criteria provided, single submitter. Criteria: Invitae Variant Classification Sherloc (09022015). Collection method: clinical testing. Allele origin: germline.
Comment: This sequence change replaces proline, which is neutral and non-polar, with arginine, which is basic and polar, at codon 603 of the ITK protein (p.Pro603Arg). This variant is not present in population databases (gnomAD no frequency). This variant has not been reported in the literature in individuals affected with ITK-related conditions. Invitae Evidence Modeling of protein sequence and biophysical properties (such as structural, functional, and spatial information, amino acid conservation, physicochemical variation, residue mobility, and thermodynamic stability) indicates that this missense variant is expected to disrupt ITK protein function with a positive predictive value of 80%. In summary, the available evidence is currently insufficient to determine the role of this variant in disease. Therefore, it has been classified as a Variant of Uncertain Significance.